The following is an entry in ClinVar:

ClinVar aggregate classification (germline): Uncertain significance (1 of 4 stars; one submission).

Submission:

GeneDx
Classification: Uncertain significance. Last evaluated: 2016-11-10. Review status: criteria provided, single submitter. Criteria: GeneDx Variant Classification (06012015). Collection method: clinical testing. Allele origin: germline. Affected: yes.
Comment: The c.343delA variant in the LRRTM4 gene has not been reported previously as a pathogenic variant nor as a benign variant, to our knowledge. The c.343delA variant causes a frameshift starting with codon Isoleucine 115, changes this amino acid to a Phenylalanine residue, and creates a premature Stop codon at position 2 of the new reading frame, denoted p.Ile115PhefsX2. This variant is predicted to cause loss of normal protein function through protein truncation or nonsense-mediated mRNA decay. The c.343delA variant was not observed in approximately 5900 individuals of European and African American ancestry in the NHLBI Exome Sequencing Project, indicating it is not a common benign variant in these populations. We interpret c.343delA as a variant of uncertain significance.

NM_001134745.3(LRRTM4):c.343del (p.Ile115fs)

Gene: LRRTM4 (leucine rich repeat transmembrane neuronal 4; minus strand). Cytogenetic location: 2p12.
Variant type: Deletion.
Coding change: c.343del on transcript NM_001134745.3 (MANE Select); coding-DNA position 343, one base deleted (A; older notation c.343delA).
Protein change: p.Ile115fs; shifts the reading frame from isoleucine 115.
Molecular consequence: frameshift variant.
Genome position (GRCh38, 1-based): chr2:77,519,526, T deleted on the plus strand (A on the coding strand, the reverse complement: LRRTM4 is on the minus strand); the first of 2 consecutive T bases (chr2:77,519,526-77,519,527); deleting either gives the same sequence. VCF-style (leftmost placement, unchanged base first): chr2-77519525-AT-A. GRCh37 (hg19) VCF-style: chr2-77746651-AT-A.
Other names: c.343del, p.Ile115fs (NM_001282924.3, NM_024993.6); c.346del, p.Ile116fs (NM_001282928.3, NM_001330370.2); short protein forms I115fs, I116fs.
Identifiers: ClinVar variation 373316 (VCV000373316.1), dbSNP rs1057518346, ClinGen allele CA16042446.
Genomic context (GRCh38, chr2:77,519,525, plus strand): 5'-AGATTGGGAACTGGGTGAAATGTTTTATTGTGCAGATAAGTAATTTTGTTGGAGCTTAGA[AT>A]TAATTCTTTCAGTCTACGGATCCCTTGAAATGCATCTTCATCCACTGAGCTAATGTAATT-3'